The following is an entry in ClinVar:

ClinVar aggregate classification (germline): Conflicting classifications of pathogenicity. Review status: criteria provided, conflicting classifications (1 of 4 stars). 5 submissions from 5 submitters: Uncertain significance (1); Likely benign (4). Last evaluated 2026-02-04.

Conditions:
NDUFAF2-related disorder. Also called: NDUFAF2-related disorders.
Inborn genetic diseases. Identifiers: MedGen C0950123, MeSH D030342.

Submissions (5):

Labcorp Genetics (formerly Invitae), Labcorp
Classification: Likely benign. Last evaluated: 2026-02-04. Review status: criteria provided, single submitter. Criteria: Invitae Variant Classification Sherloc (09022015). Collection method: clinical testing. Allele origin: germline.

PreventionGenetics, part of Exact Sciences
Classification: Likely benign for NDUFAF2-related condition. Last evaluated: 2025-09-24. Review status: criteria provided, single submitter. Criteria: ACMG Guidelines, 2015. Collection method: clinical testing. Allele origin: germline.
Comment: This variant is classified as likely benign based on ACMG/AMP sequence variant interpretation guidelines (Richards et al. 2015 PMID: 25741868, with internal and published modifications).

GeneDx
Classification: Uncertain significance. Last evaluated: 2025-08-05. Review status: criteria provided, single submitter. Criteria: GeneDx Variant Classification Process June 2021. Collection method: clinical testing. Allele origin: germline. Affected: yes.
Comment: Frameshift variant predicted to result in abnormal protein length as the last 6 amino acid(s) are replaced with 24 different amino acid(s); Has not been previously published as pathogenic or benign to our knowledge

Blueprint Genetics
Classification: Likely benign. Last evaluated: 2023-10-18. Review status: criteria provided, single submitter. Criteria: ACMG Guidelines, 2015. Collection method: clinical testing. Allele origin: germline.

Ambry Genetics
Classification: Likely benign for Inborn genetic diseases. Last evaluated: 2022-05-20. Review status: criteria provided, single submitter. Criteria: Ambry Variant Classification Scheme 2023. Collection method: clinical testing. Allele origin: germline.

NM_174889.5(NDUFAF2):c.491del (p.Gly164fs)

Gene: NDUFAF2 (NADH:ubiquinone oxidoreductase complex assembly factor 2; plus strand). Cytogenetic location: 5q12.1.
Variant type: Deletion.
Coding change: c.491del on transcript NM_174889.5 (MANE Select); coding-DNA position 491, one base deleted (G; older notation c.491delG).
Protein change: p.Gly164fs; shifts the reading frame from glycine 164.
Molecular consequence: frameshift variant.
Genome position (GRCh38, 1-based): chr5:61,152,936, G deleted; the last of 2 consecutive G bases (chr5:61,152,935-61,152,936); deleting either gives the same sequence. VCF-style (leftmost placement, unchanged base first): chr5-61152934-TG-T. GRCh37 (hg19) VCF-style: chr5-60448761-TG-T.
Other names: c.491delG (NM_174889.4); short protein forms G164fs.
Identifiers: ClinVar variation 418378 (VCV000418378.16), dbSNP rs753595274, ClinGen allele CA3278205.